The following is an entry in ClinVar:

NM_001029883.3(PCARE):c.938_946dup (p.Arg315_Asn316insThrLysArg)

Gene: PCARE (photoreceptor cilium actin regulator; minus strand). Cytogenetic location: 2p23.2.
Variant type: Duplication.
Coding change: c.938_946dup on transcript NM_001029883.3 (MANE Select); coding-DNA positions 938 to 946, 9 bases duplicated (CAAAAAGGA; older notation c.938_946dupCAAAAAGGA).
Protein change: p.Arg315_Asn316insThrLysArg.
Molecular consequence: inframe insertion.
Genome position (GRCh38, 1-based): chr2:29,073,316-29,073,324, TCCTTTTTG duplicated on the plus strand (CAAAAAGGA on the coding strand, the reverse complement: PCARE is on the minus strand); duplicating any 9 consecutive bases within chr2:29,073,316-29,073,325 gives the same sequence; the c. name uses the placement nearest the transcript's 3' end. VCF-style (leftmost placement, unchanged base first): chr2-29073315-T-TTCCTTTTTG. GRCh37 (hg19) VCF-style: chr2-29296181-T-TTCCTTTTTG.
Other names: c.938_946dupCAAAAAGGA (NM_001029883.3).
Identifiers: ClinVar variation 2628065 (VCV002628065.2), dbSNP rs2465278801, ClinGen allele CA2695200445.

ClinVar aggregate classification (germline): Likely pathogenic (1 of 4 stars; one submission).

Conditions:
Retinitis pigmentosa 54 (RP54). Identifiers: Orphanet 791, MedGen C3150691, MONDO:0013263, OMIM 613428.

Submission:

DBGen Ocular Genomics
Classification: Likely pathogenic for Retinitis pigmentosa 54. Last evaluated: 2023-01-01. Review status: criteria provided, single submitter. Criteria: ACMG Guidelines, 2015. Collection method: clinical testing. Allele origin: unknown. Inheritance: Autosomal recessive inheritance. Affected: yes.
Comment: Class 4 ACMG Guidelines, 2015